The following is an entry in ClinVar:

NM_201384.3(PLEC):c.10661C>A (p.Thr3554Asn)

Gene: PLEC (plectin; minus strand). Cytogenetic location: 8q24.3.
Variant type: single nucleotide variant.
Coding change: c.10661C>A on transcript NM_201384.3 (MANE Select); coding-DNA position 10661, C replaced by A.
Protein change: p.Thr3554Asn; replaces threonine 3554 with asparagine.
Molecular consequence: missense variant.
Genome position (GRCh38, 1-based): chr8:143,919,160, G>T on the plus strand (C>A on the coding strand, the complement: PLEC is on the minus strand). VCF-style: chr8-143919160-G-T. GRCh37 (hg19) VCF-style: chr8-144993328-G-T.
Other names: c.10742C>A, p.Thr3581Asn (NM_000445.5); c.10619C>A, p.Thr3540Asn (NM_201378.4); c.10595C>A, p.Thr3532Asn (NM_201379.3); c.11072C>A, p.Thr3691Asn (NM_201380.4); c.10565C>A, p.Thr3522Asn (NM_201381.3); c.10661C>A, p.Thr3554Asn (NM_201382.4); c.10673C>A, p.Thr3558Asn (NM_201383.3); short protein forms T3522N, T3581N, T3691N, T3540N, T3554N, T3532N, T3558N.
Identifiers: ClinVar variation 1428539 (VCV001428539.8), dbSNP rs782017839, ClinGen allele CA372497218.
Genomic context (GRCh38, chr8:143,919,160, plus strand): 5'-ATGTCGATCTGTGTCTCTTCAAATGCCCTTCTTGTCTCCTCCTCAGTGTACACCTGCGTG[G>T]TCTCCACCACCTCAGCCTTCTCCGCCCCTTTCAGTGGCAGAAGGCGCAAGCCCGTCTCGG-3'
Protein context (NP_958786.1, residues 3544-3564): KGAEKAEVVE[Thr3554Asn]TQVYTEEETR

ClinVar aggregate classification (germline): Conflicting classifications of pathogenicity. Review status: criteria provided, conflicting classifications (1 of 4 stars). 2 submissions from 2 submitters: Uncertain significance (1); Likely benign (1). Last evaluated 2025-11-10.

Conditions:
Epidermolysis bullosa simplex, Ogna type (EBS5A). Also called: Pidermolysis bullosa simplex 5A, Ogna type; EPIDERMOLYSIS BULLOSA SIMPLEX 5A, OGNA TYPE. Identifiers: Orphanet 79401, MedGen C0432317, MONDO:0007555, OMIM 131950.
Autosomal recessive limb-girdle muscular dystrophy type 2Q (LGMDR17). Also called: MUSCULAR DYSTROPHY, LIMB-GIRDLE, AUTOSOMAL RECESSIVE 17. Identifiers: Orphanet 254361, MedGen C3150989, MONDO:0013390, OMIM 613723.
Epidermolysis bullosa simplex 5B, with muscular dystrophy (EBS5B). Also called: EPIDERMOLYSIS BULLOSA SIMPLEX AND LIMB-GIRDLE MUSCULAR DYSTROPHY; Epidermolysis bullosa simplex with muscular dystrophy. Identifiers: Orphanet 257, MedGen C2931072, MONDO:0009181, OMIM 226670.
Epidermolysis bullosa simplex with nail dystrophy (EBS5D). Identifiers: MedGen C4225309, MONDO:0014661, OMIM 616487.
Epidermolysis bullosa simplex 5C, with pyloric atresia (EBS5C). Also called: PLEC-Related Epidermolysis Bullosa with Pyloric Atresia; Epidermolysis bullosa simplex with pyloric atresia; PLEC1-Related Epidermolysis Bullosa with Pyloric Atresia. Identifiers: Orphanet 158684, MedGen C2677349, MONDO:0012807, OMIM 612138.

gnomAD v4.1: 11 of 1,613,552 alleles (0.00068%); highest among the groups gnomAD compares: Admixed American, 0.015%; no homozygotes.

Submissions (2):

Dasa
Classification: Likely benign. Last evaluated: 2025-11-10. Review status: criteria provided, single submitter. Criteria: DASA Assertion Criteria. Collection method: clinical testing. Allele origin: germline.
Comment: NM_201384.3(PLEC):c.10661C>A (p.Thr3554Asn) is a missense variant that results in the substitution of threonine with asparagine. The variant context is inconsistent with a known disease-causing mechanism. Computational prediction algorithms are consistent with a benign effect. Therefore, based on the currently available evidence, this variant is classified as likely benign.

Labcorp Genetics (formerly Invitae), Labcorp
Classification: Uncertain significance for Autosomal recessive limb-girdle muscular dystrophy type 2Q; Epidermolysis bullosa simplex, Ogna type; Epidermolysis bullosa simplex with nail dystrophy; Epidermolysis bullosa simplex 5C, with pyloric atresia; Epidermolysis bullosa simplex 5B, with muscular dystrophy. Last evaluated: 2025-10-01. Review status: criteria provided, single submitter. Criteria: Invitae Variant Classification Sherloc (09022015). Collection method: clinical testing. Allele origin: germline.
Comment: This sequence change replaces threonine, which is neutral and polar, with asparagine, which is neutral and polar, at codon 3581 of the PLEC protein (p.Thr3581Asn). This variant is not present in population databases (gnomAD no frequency). This variant has not been reported in the literature in individuals affected with PLEC-related conditions. ClinVar contains an entry for this variant (Variation ID: 1428539). An algorithm developed to predict the effect of missense changes on protein structure and function (PolyPhen-2) suggests that this variant is likely to be disruptive. In summary, the available evidence is currently insufficient to determine the role of this variant in disease. Therefore, it has been classified as a Variant of Uncertain Significance.